The following is an entry in ClinVar:

ClinVar aggregate classification (germline): Uncertain significance. Review status: reviewed by expert panel (3 of 4 stars). 2 submissions from 2 submitters: Uncertain significance (1). 1 of the submissions does not count toward it. Last evaluated 2024-09-30.

Conditions:
Hereditary thrombocytopenia and hematological cancer predisposition syndrome associated with RUNX1. Also called: PLATELET DISORDER, ASPIRIN-LIKE; Familial Platelet Disorder with Propensity to Acute Myelogenous Leukemia; Familial thrombocytopenia with propensity to acute myelogenous leukemia; RUNX1 Familial Platelet Disorder with Associated Myeloid Malignancies. Identifiers: Orphanet 71290, MedGen C1832388, MeSH C563324, MONDO:0100083, OMIM 601399.
Hereditary thrombocytopenia and hematologic cancer predisposition syndrome. Identifiers: Orphanet 71290, MedGen CN281654, MONDO:0011071.

Submissions (2):

ClinGen Myeloid Malignancy Variant Curation Expert Panel
Classification: Uncertain significance for Hereditary thrombocytopenia and hematologic cancer predisposition syndrome. Last evaluated: 2024-09-30. Review status: reviewed by expert panel. Criteria: ClinGen MyeloMalig ACMG Specifications v2. Collection method: curation. Allele origin: germline. Inheritance: Autosomal dominant inheritance.
Comment: NM_001754.5(RUNX1):c.818T>C (p.Ile273Thr) is a missense variant which has a REVEL score < 0.50 (0.025), and a SpliceAI score ≤ 0.20 (0.0) (BP4). This variant is completely absent from all population databases with at least 20x coverage for RUNX1 (PM2_Supporting). In summary, the clinical significance of this variant is uncertain. ACMG/AMP criteria applied, as specified by the Myeloid Malignancy Variant Curation Expert Panel for RUNX1: BP4, PM2_supporting.

Labcorp Genetics (formerly Invitae), Labcorp
Classification: Uncertain significance for Hereditary thrombocytopenia and hematological cancer predisposition syndrome associated with RUNX1. Last evaluated: 2020-06-08. Review status: criteria provided, single submitter. Criteria: Invitae Variant Classification Sherloc (09022015). Collection method: clinical testing. Allele origin: germline. Not counted in ClinVar's aggregate classification.
Comment: This sequence change replaces isoleucine with threonine at codon 273 of the RUNX1 protein (p.Ile273Thr). The isoleucine residue is weakly conserved and there is a moderate physicochemical difference between isoleucine and threonine. In summary, the available evidence is currently insufficient to determine the role of this variant in disease. Therefore, it has been classified as a Variant of Uncertain Significance. Algorithms developed to predict the effect of missense changes on protein structure and function (SIFT, PolyPhen-2, Align-GVGD) all suggest that this variant is likely to be tolerated, but these predictions have not been confirmed by published functional studies and their clinical significance is uncertain. This variant has not been reported in the literature in individuals with RUNX1-related conditions. This variant is not present in population databases (ExAC no frequency).

NM_001754.5(RUNX1):c.818T>C (p.Ile273Thr)

Gene: RUNX1 (RUNX family transcription factor 1; minus strand). Cytogenetic location: 21q22.12.
Variant type: single nucleotide variant.
Coding change: c.818T>C on transcript NM_001754.5 (MANE Select); coding-DNA position 818, T replaced by C.
Protein change: p.Ile273Thr; replaces isoleucine 273 with threonine.
Molecular consequence: missense variant.
Genome position (GRCh38, 1-based): chr21:34,799,450, A>G on the plus strand (T>C on the coding strand, the complement: RUNX1 is on the minus strand). VCF-style: chr21-34799450-A-G. GRCh37 (hg19) VCF-style: chr21-36171747-A-G.
Other names: NM_001754.5(RUNX1):c.818T>C; p.Ile273Thr; c.737T>C, p.Ile246Thr (NM_001001890.3); short protein forms I246T, I273T.
Identifiers: ClinVar variation 1057196 (VCV001057196.10), dbSNP rs2145909999, ClinGen allele CA410150334.
Genomic context (GRCh38, chr21:34,799,450, plus strand): 5'-GAGGCAATGGATCCCAGGTATTGGTAGGACTGATCGTAGGACCACGGTGGGGATGGTTGG[A>G]TCTGCCTTGTATCTGAAGAGAATCAGAAAGGTCAATTATATGTAAAGTGGGGTGGGATTT-3'
Protein context (NP_001745.2, residues 263-283): PQSQMQDTRQ[Ile273Thr]QPSPPWSYDQ